The following is an entry in ClinVar:

NM_198428.3(BBS9):c.2184G>T (p.Lys728Asn)

Gene: BBS9 (Bardet-Biedl syndrome 9; plus strand). Cytogenetic location: 7p14.3.
Variant type: single nucleotide variant.
Coding change: c.2184G>T on transcript NM_198428.3 (MANE Select); coding-DNA position 2184, G replaced by T.
Protein change: p.Lys728Asn; replaces lysine 728 with asparagine.
Molecular consequence: missense variant. On other transcripts: non-coding transcript variant (3), intron variant (1).
Genome position (GRCh38, 1-based): chr7:33,505,531, G>T. VCF-style: chr7-33505531-G-T. GRCh37 (hg19) VCF-style: chr7-33545143-G-T.
Other names: c.2079G>T, p.Lys693Asn (NM_001033604.2); c.2169G>T, p.Lys723Asn (NM_001033605.2); c.2184G>T, p.Lys728Asn (NM_001348036.1, NM_001348041.4, NM_001348043.3 and 1 more transcripts); c.1911G>T, p.Lys637Asn (NM_001348038.3); c.1806G>T, p.Lys602Asn (NM_001348039.3); c.2064G>T, p.Lys688Asn (NM_001348040.3, NM_014451.4); c.2049G>T, p.Lys683Asn (NM_001348042.3); c.1713G>T, p.Lys571Asn (NM_001348044.3); and 2 more; short protein forms K571N, K602N, K683N, K637N, K688N, K693N, K723N, K606N.
Identifiers: ClinVar variation 4984935 (VCV004984935.1).

ClinVar aggregate classification (germline): Uncertain significance (1 of 4 stars; one submission).

Conditions:
BBS9-related disorder. Also called: BBS9-related condition.

Submission:

PreventionGenetics, part of Exact Sciences
Classification: Uncertain significance for BBS9-related condition. Last evaluated: 2024-11-27. Review status: criteria provided, single submitter. Criteria: ACMG Guidelines, 2015. Collection method: clinical testing. Allele origin: germline.
Comment: The BBS9 c.2184G>T variant is predicted to result in the amino acid substitution p.Lys728Asn. To our knowledge, this variant has not been reported in the literature or in a large population database (gnomAD), indicating this variant is rare. At this time, the clinical significance of this variant is uncertain due to the absence of conclusive functional and genetic evidence.